The following is an entry in ClinVar:

ClinVar aggregate classification (germline): Uncertain significance (1 of 4 stars; one submission).

Submission:

Labcorp Genetics (formerly Invitae), Labcorp
Classification: Uncertain significance. Last evaluated: 2024-07-12. Review status: criteria provided, single submitter. Criteria: Invitae Variant Classification Sherloc (09022015). Collection method: clinical testing. Allele origin: germline.
Comment: This sequence change affects codon 120 of the TUBB2B mRNA. It is a 'silent' change, meaning that it does not change the encoded amino acid sequence of the TUBB2B protein. This variant is present in population databases (no rsID available, gnomAD 0.006%). This variant has not been reported in the literature in individuals affected with TUBB2B-related conditions. Algorithms developed to predict the effect of sequence changes on RNA splicing suggest that this variant may create or strengthen a splice site. In summary, the available evidence is currently insufficient to determine the role of this variant in disease. Therefore, it has been classified as a Variant of Uncertain Significance.

NM_178012.5(TUBB2B):c.360G>A (p.Val120=)

Gene: TUBB2B (tubulin beta 2B class IIb; minus strand). Cytogenetic location: 6p25.2.
Variant type: single nucleotide variant.
Coding change: c.360G>A on transcript NM_178012.5 (MANE Select); coding-DNA position 360, G replaced by A.
Protein change: p.Val120=; no amino-acid change (valine 120 retained).
Molecular consequence: synonymous variant.
Genome position (GRCh38, 1-based): chr6:3,225,729, C>T on the plus strand (G>A on the coding strand, the complement: TUBB2B is on the minus strand). VCF-style: chr6-3225729-C-T. GRCh37 (hg19) VCF-style: chr6-3225963-C-T.
Identifiers: ClinVar variation 3611957 (VCV003611957.2).
Genomic context (GRCh38, chr6:3,225,729, plus strand): 5'-CCCCAGAGAGTGGGTCAGCTGGAAGCCCTGGAGACAGTCACAGCTCTCTGACTCCTTCCT[C>T]ACCACATCCAGGACCGAGTCGACCAGCTCGGCTCCCTCTGTGTAGTGGCCCTTGGCCCAG-3'
Protein context (NP_821080.1, residues 110-130): AELVDSVLDV[Val120=]RKESESCDCL